The following is an entry in ClinVar:

NM_014855.3(AP5Z1):c.988C>G (p.Leu330Val)

Gene: AP5Z1 (adaptor related protein complex 5 subunit zeta 1; plus strand). Cytogenetic location: 7p22.1.
Variant type: single nucleotide variant.
Coding change: c.988C>G on transcript NM_014855.3 (MANE Select); coding-DNA position 988, C replaced by G.
Protein change: p.Leu330Val; replaces leucine 330 with valine.
Molecular consequence: missense variant. On other transcripts: non-coding transcript variant (1).
Genome position (GRCh38, 1-based): chr7:4,785,540, C>G. VCF-style: chr7-4785540-C-G. GRCh37 (hg19) VCF-style: chr7-4825171-C-G.
Other names: c.988C>G (NM_014855.2); c.520C>G, p.Leu174Val (NM_001364858.1); short protein forms L330V, L174V.
Identifiers: ClinVar variation 2003966 (VCV002003966.7), dbSNP rs376680652, ClinGen allele CA4137555.
Genomic context (GRCh38, chr7:4,785,540, plus strand): 5'-AGGCAGCGACTCGGCCCATTTGATGTGGTCCATGTCCCGCAGTGCCTGGTGGAGGCCGTG[C>G]TGGTGCTGGACGTGCTGTGCCGGCAGGACCCGTCCTTCCTGTACCGAAGTCTCTCCTGCC-3'
Protein context (NP_055670.1, residues 320-340): LQKACLVEAV[Leu330Val]VLDVLCRQDP

ClinVar aggregate classification (germline): Uncertain significance. Review status: criteria provided, multiple submitters, no conflicts (2 of 4 stars). 3 submissions from 3 submitters: Uncertain significance (3). Last evaluated 2024-01-04.

Conditions:
Hereditary spastic paraplegia 48. Also called: Spastic paraplegia 48; SPASTIC PARAPLEGIA 48, AUTOSOMAL RECESSIVE. Identifiers: Orphanet 306511, MedGen C3150901, MONDO:0013342, OMIM 613647.
Inborn genetic diseases. Identifiers: MedGen C0950123, MeSH D030342.

gnomAD v4.1: 379 of 1,612,714 alleles (0.024%); highest among the groups gnomAD compares: Non-Finnish European, 0.031%; no homozygotes.

Submissions (3):

Ambry Genetics
Classification: Uncertain significance for Inborn genetic diseases. Last evaluated: 2024-01-04. Review status: criteria provided, single submitter. Criteria: Ambry Variant Classification Scheme 2023. Collection method: clinical testing. Allele origin: germline.

Labcorp Genetics (formerly Invitae), Labcorp
Classification: Uncertain significance for Hereditary spastic paraplegia 48. Last evaluated: 2022-05-29. Review status: criteria provided, single submitter. Criteria: Invitae Variant Classification Sherloc (09022015). Collection method: clinical testing. Allele origin: germline.
Comment: This sequence change replaces leucine, which is neutral and non-polar, with valine, which is neutral and non-polar, at codon 330 of the AP5Z1 protein (p.Leu330Val). This variant is present in population databases (rs376680652, gnomAD 0.02%). This variant has not been reported in the literature in individuals affected with AP5Z1-related conditions. Algorithms developed to predict the effect of missense changes on protein structure and function (SIFT, PolyPhen-2, Align-GVGD) all suggest that this variant is likely to be tolerated. In summary, the available evidence is currently insufficient to determine the role of this variant in disease. Therefore, it has been classified as a Variant of Uncertain Significance.

Revvity Omics, Revvity
Classification: Uncertain significance for Hereditary spastic paraplegia 48. Last evaluated: 2021-08-24. Review status: criteria provided, single submitter. Criteria: ACMG Guidelines, 2015. Collection method: clinical testing. Allele origin: germline.